The following is an entry in ClinVar:

NM_182746.3(MCM4):c.658A>G (p.Lys220Glu)

Gene: MCM4 (minichromosome maintenance complex component 4; plus strand). Cytogenetic location: 8q11.21.
Variant type: single nucleotide variant.
Coding change: c.658A>G on transcript NM_182746.3 (MANE Select); coding-DNA position 658, A replaced by G.
Protein change: p.Lys220Glu; replaces lysine 220 with glutamic acid.
Molecular consequence: missense variant.
Genome position (GRCh38, 1-based): chr8:47,963,005, A>G. VCF-style: chr8-47963005-A-G. GRCh37 (hg19) VCF-style: chr8-48875565-A-G.
Other names: c.658A>G, p.Lys220Glu (NM_005914.4); short protein forms K220E.
Identifiers: ClinVar variation 1501727 (VCV001501727.3), dbSNP rs137947787, ClinGen allele CA4742376.

ClinVar aggregate classification (germline): Uncertain significance (1 of 4 stars; one submission).

Allele frequency attached by ClinVar (database versions not stated): gnomAD exomes 0.00005; TOPMed 0.00005; ExAC 0.00007; gnomAD 0.00007; ESP Exome Variant Server 0.00008.
gnomAD v4.1: 90 of 1,606,858 alleles (0.0056%); highest among the groups gnomAD compares: Non-Finnish European, 0.0074%; no homozygotes.

Submission:

Labcorp Genetics (formerly Invitae), Labcorp
Classification: Uncertain significance. Last evaluated: 2022-05-21. Review status: criteria provided, single submitter. Criteria: Invitae Variant Classification Sherloc (09022015). Collection method: clinical testing. Allele origin: germline.
Comment: This sequence change replaces lysine, which is basic and polar, with glutamic acid, which is acidic and polar, at codon 220 of the MCM4 protein (p.Lys220Glu). This variant is present in population databases (rs137947787, gnomAD 0.009%). This variant has not been reported in the literature in individuals affected with MCM4-related conditions. Algorithms developed to predict the effect of missense changes on protein structure and function (SIFT, PolyPhen-2, Align-GVGD) all suggest that this variant is likely to be tolerated. In summary, the available evidence is currently insufficient to determine the role of this variant in disease. Therefore, it has been classified as a Variant of Uncertain Significance.